The following is an entry in ClinVar:

NM_001164277.2(SLC37A4):c.812T>A (p.Val271Asp)

Gene: SLC37A4 (solute carrier family 37 member 4; minus strand). Cytogenetic location: 11q23.3.
Variant type: single nucleotide variant.
Coding change: c.812T>A on transcript NM_001164277.2 (MANE Select); coding-DNA position 812, T replaced by A.
Protein change: p.Val271Asp; replaces valine 271 with aspartic acid.
Molecular consequence: missense variant.
Genome position (GRCh38, 1-based): chr11:119,026,661, A>T on the plus strand (T>A on the coding strand, the complement: SLC37A4 is on the minus strand). VCF-style: chr11-119026661-A-T. GRCh37 (hg19) VCF-style: chr11-118897371-A-T.
Other names: c.812T>A, p.Val271Asp (NM_001164278.2, NM_001164280.2, NM_001467.6); c.593T>A, p.Val198Asp (NM_001164279.2); short protein forms V198D, V271D.
Identifiers: ClinVar variation 2585455 (VCV002585455.1), dbSNP rs782737220, ClinGen allele CA382900419.

ClinVar aggregate classification (germline): Uncertain significance (1 of 4 stars; one submission).

Conditions:
Glucose-6-phosphate transport defect (GSD1B). Also called: Glycogen Storage Disease Type Ib; GSD Ib. Identifiers: Orphanet 364, Orphanet 79259, MedGen C0268146, MONDO:0009288, OMIM 232220.

Submission:

Neuberg Centre For Genomic Medicine, NCGM
Classification: Uncertain significance for Glucose-6-phosphate transport defect. Review status: criteria provided, single submitter. Criteria: ACMG Guidelines, 2015. Collection method: clinical testing. Allele origin: germline. Inheritance: Autosomal recessive inheritance. Affected: yes.
Comment: The missense variant c.812T>A (p.Val271Asp) in SLC37A4 gene has not been reported previously as a pathogenic variant nor as a benign variant, to our knowledge. The p.Val271Asp variant is novel (not in any individuals) in gnomAD Exomes and 1000 Genomes. The amino acid Val at position 271 is changed to a Asp changing protein sequence and it might alter its composition and physico-chemical properties. The amino acid change p.Val271Asp in SLC37A4 is predicted as conserved by GERP++ and PhyloP across 100 vertebrates. For these reasons, this variant has been classified as Uncertain Significance .